The following is an entry in ClinVar:

ClinVar aggregate classification (germline): Uncertain significance (1 of 4 stars; one submission).

Conditions:
Generalized pustular psoriasis. Identifiers: Orphanet 247353, MedGen C0343055, MONDO:0100491.

Allele frequency attached by ClinVar (database versions not stated): gnomAD 0.00001; gnomAD exomes 0.00001.
gnomAD v4.1: 5 of 1,613,984 alleles (0.00031%); highest among the groups gnomAD compares: Admixed American, 0.0067%; no homozygotes.

Submission:

Labcorp Genetics (formerly Invitae), Labcorp
Classification: Uncertain significance for Generalized pustular psoriasis. Last evaluated: 2023-04-09. Review status: criteria provided, single submitter. Criteria: Invitae Variant Classification Sherloc (09022015). Collection method: clinical testing. Allele origin: germline.
Comment: An algorithm developed to predict the effect of missense changes on protein structure and function (PolyPhen-2) suggests that this variant is likely to be disruptive. In summary, the available evidence is currently insufficient to determine the role of this variant in disease. Therefore, it has been classified as a Variant of Uncertain Significance. ClinVar contains an entry for this variant (Variation ID: 529883). This missense change has been observed in individual(s) with deficiency of interleukin-36 receptor antagonist (PMID: 30953287). This variant is present in population databases (no rsID available, gnomAD 0.003%). This sequence change replaces cysteine, which is neutral and slightly polar, with phenylalanine, which is neutral and non-polar, at codon 67 of the IL36RN protein (p.Cys67Phe).

Literature cited by the submitters: PubMed 30953287.

NM_012275.3(IL36RN):c.200G>T (p.Cys67Phe)

Gene: IL36RN (interleukin 36 receptor antagonist; plus strand). Cytogenetic location: 2q14.1.
Variant type: single nucleotide variant.
Coding change: c.200G>T on transcript NM_012275.3 (MANE Select); coding-DNA position 200, G replaced by T.
Protein change: p.Cys67Phe; replaces cysteine 67 with phenylalanine.
Molecular consequence: missense variant.
Genome position (GRCh38, 1-based): chr2:113,062,208, G>T. VCF-style: chr2-113062208-G-T. GRCh37 (hg19) VCF-style: chr2-113819785-G-T.
Other names: c.200G>T, p.Cys67Phe (NM_173170.1); short protein forms C67F.
Identifiers: ClinVar variation 529883 (VCV000529883.5), dbSNP rs1265230096, ClinGen allele CA348290104.